The following is an entry in ClinVar:

ClinVar aggregate classification (germline): Likely benign. Review status: criteria provided, multiple submitters, no conflicts (2 of 4 stars). 3 submissions from 3 submitters: Likely benign (2). 1 of the submissions does not count toward it. Last evaluated 2025-06-12.

Conditions:
MAGI2-related disorder. Also called: MAGI2-related condition.

Allele frequency attached by ClinVar (database versions not stated): gnomAD exomes 0.00002; ExAC 0.00012; 1000 Genomes Project 30x 0.00031; gnomAD 0.00031; TOPMed 0.00040; ESP Exome Variant Server 0.00069.
gnomAD v4.1: 87 of 1,613,512 alleles (0.0054%); highest among the groups gnomAD compares: African/African-American, 0.11%; no homozygotes.

Submissions (3):

Labcorp Genetics (formerly Invitae), Labcorp
Classification: Likely benign. Last evaluated: 2025-06-12. Review status: criteria provided, single submitter. Criteria: Invitae Variant Classification Sherloc (09022015). Collection method: clinical testing. Allele origin: germline.

Blueprint Genetics
Classification: Likely benign. Last evaluated: 2024-11-25. Review status: criteria provided, single submitter. Criteria: ACMG Guidelines, 2015. Collection method: clinical testing. Allele origin: germline.

PreventionGenetics, part of Exact Sciences
Classification: Likely benign for MAGI2-related condition. Last evaluated: 2019-11-06. Review status: no assertion criteria provided. Collection method: clinical testing. Allele origin: germline. Not counted in ClinVar's aggregate classification.
Comment: This variant is classified as likely benign based on ACMG/AMP sequence variant interpretation guidelines (Richards et al. 2015 PMID: 25741868, with internal and published modifications).

NM_012301.4(MAGI2):c.363G>T (p.Val121=)

Gene: MAGI2 (membrane associated guanylate kinase, WW and PDZ domain containing 2; minus strand). Cytogenetic location: 7q21.11.
Variant type: single nucleotide variant.
Coding change: c.363G>T on transcript NM_012301.4 (MANE Select); coding-DNA position 363, G replaced by T.
Protein change: p.Val121=; no amino-acid change (valine 121 retained).
Molecular consequence: synonymous variant.
Genome position (GRCh38, 1-based): chr7:79,007,145, C>A on the plus strand (G>T on the coding strand, the complement: MAGI2 is on the minus strand). VCF-style: chr7-79007145-C-A. GRCh37 (hg19) VCF-style: chr7-78636461-C-A.
Other names: c.363G>T (NM_012301.3); c.363G>T, p.Val121= (NM_001301128.2).
Identifiers: ClinVar variation 2885107 (VCV002885107.6), dbSNP rs17151806, ClinGen allele CA4314289.